The following is an entry in ClinVar:

ClinVar aggregate classification (germline): Benign. Review status: criteria provided, multiple submitters, no conflicts (2 of 4 stars). 3 submissions from 3 submitters: Benign (3). Last evaluated 2026-01-05.

Allele frequency attached by ClinVar (database versions not stated): ESP Exome Variant Server 0.00008; gnomAD 0.00016 and 0.00056; TOPMed 0.00020; gnomAD exomes 0.00073 and 0.00148; ExAC 0.00165; 1000 Genomes Project 0.00339; 1000 Genomes Project 30x 0.00344.
gnomAD v4.1: 1,153 of 1,613,966 alleles (0.071%); highest among the groups gnomAD compares: South Asian, 1.2%; 19 homozygotes.

Submissions (3):

Labcorp Genetics (formerly Invitae), Labcorp
Classification: Benign. Last evaluated: 2026-01-05. Review status: criteria provided, single submitter. Criteria: Invitae Variant Classification Sherloc (09022015). Collection method: clinical testing. Allele origin: germline.

CeGaT Center for Human Genetics Tuebingen
Classification: Benign. Last evaluated: 2025-07-01. Review status: criteria provided, single submitter. Criteria: CeGaT Center For Human Genetics Tuebingen Variant Classification Criteria Version 2. Collection method: clinical testing. Allele origin: germline. Affected: yes. Observed: 1 variant allele.
Comment: OTULIN: BP4, BS1, BS2

Breakthrough Genomics
Classification: Benign. Review status: criteria provided, single submitter. Criteria: ACMG Guidelines, 2015. Collection method: not provided. Allele origin: germline. Inheritance: Autosomal recessive inheritance. Affected: yes.

NM_138348.6(OTULIN):c.439C>T (p.Pro147Ser)

Gene: OTULIN (OTU deubiquitinase with linear linkage specificity; plus strand). Cytogenetic location: 5p15.2.
Variant type: single nucleotide variant.
Coding change: c.439C>T on transcript NM_138348.6 (MANE Select); coding-DNA position 439, C replaced by T.
Protein change: p.Pro147Ser; replaces proline 147 with serine.
Molecular consequence: missense variant.
Genome position (GRCh38, 1-based): chr5:14,681,578, C>T. VCF-style: chr5-14681578-C-T. GRCh37 (hg19) VCF-style: chr5-14681687-C-T.
Other names: short protein forms P147S.
Identifiers: ClinVar variation 1167616 (VCV001167616.18), dbSNP rs371959714, ClinGen allele CA3208597.
Genomic context (GRCh38, chr5:14,681,578, plus strand): 5'-AATTACTGTGCACTGAGGGCCACGCTGTTCCAGGCCATGAGCCAGGCTGTGGGGCTGCCG[C>T]CCTGGCTGCAGGACCCGGAGCTCATGCTGGTACGCTGCTGCTGCAGGTTTGAGTCCAAAA-3'
Protein context (NP_612357.4, residues 137-157): QAMSQAVGLP[Pro147Ser]WLQDPELMLL